The following is an entry in ClinVar:

ClinVar aggregate classification (germline): Conflicting classifications of pathogenicity. Review status: criteria provided, conflicting classifications (1 of 4 stars). 2 submissions from 2 submitters: Uncertain significance (1); Likely benign (1). Last evaluated 2026-07-30.

Conditions:
Hereditary cancer-predisposing syndrome. Also called: Hereditary Cancer Syndrome; Neoplastic Syndromes, Hereditary; Hereditary neoplastic syndrome; Tumor predisposition. Identifiers: Orphanet 140162, MedGen C0027672, MeSH D009386, MONDO:0015356.
Tuberous sclerosis 1 (TSC1). Identifiers: Orphanet 805, MedGen C1854465, MONDO:0008612, OMIM 191100.

Submissions (2):

Ambry Genetics
Classification: Likely benign for Hereditary cancer-predisposing syndrome. Last evaluated: 2026-07-30. Review status: criteria provided, single submitter. Criteria: Ambry Variant Classification Scheme 2023. Collection method: clinical testing. Allele origin: germline.

Labcorp Genetics (formerly Invitae), Labcorp
Classification: Uncertain significance for Tuberous sclerosis 1. Last evaluated: 2024-02-23. Review status: criteria provided, single submitter. Criteria: Invitae Variant Classification Sherloc (09022015). Collection method: clinical testing. Allele origin: germline.
Comment: This sequence change replaces lysine, which is basic and polar, with arginine, which is basic and polar, at codon 1019 of the TSC1 protein (p.Lys1019Arg). This variant is not present in population databases (gnomAD no frequency). This variant has not been reported in the literature in individuals affected with TSC1-related conditions. ClinVar contains an entry for this variant (Variation ID: 1352315). Advanced modeling of protein sequence and biophysical properties (such as structural, functional, and spatial information, amino acid conservation, physicochemical variation, residue mobility, and thermodynamic stability) performed at Invitae indicates that this missense variant is not expected to disrupt TSC1 protein function with a negative predictive value of 95%. In summary, the available evidence is currently insufficient to determine the role of this variant in disease. Therefore, it has been classified as a Variant of Uncertain Significance.

NM_000368.5(TSC1):c.3056A>G (p.Lys1019Arg)

Gene: TSC1 (TSC complex subunit 1; minus strand). Cytogenetic location: 9q34.13.
Variant type: single nucleotide variant.
Coding change: c.3056A>G on transcript NM_000368.5 (MANE Select); coding-DNA position 3056, A replaced by G.
Protein change: p.Lys1019Arg; replaces lysine 1019 with arginine.
Molecular consequence: missense variant.
Genome position (GRCh38, 1-based): chr9:132,896,674, T>C on the plus strand (A>G on the coding strand, the complement: TSC1 is on the minus strand). VCF-style: chr9-132896674-T-C. GRCh37 (hg19) VCF-style: chr9-135772061-T-C.
Other names: c.3053A>G, p.Lys1018Arg (NM_001162426.2); c.2903A>G, p.Lys968Arg (NM_001162427.2); c.2693A>G, p.Lys898Arg (NM_001362177.2); short protein forms K968R, K1019R, K898R, K1018R.
Identifiers: ClinVar variation 1352315 (VCV001352315.11), dbSNP rs2131612809, ClinGen allele CA375367672.